The following is an entry in ClinVar:

NM_145200.5(CABP4):c.253C>T (p.Pro85Ser)

Gene: CABP4 (calcium binding protein 4; plus strand). Cytogenetic location: 11q13.2.
Variant type: single nucleotide variant.
Coding change: c.253C>T on transcript NM_145200.5 (MANE Select); coding-DNA position 253, C replaced by T.
Protein change: p.Pro85Ser; replaces proline 85 with serine.
Molecular consequence: missense variant. On other transcripts: 5 prime UTR variant (2), non-coding transcript variant (1), intron variant (1).
Genome position (GRCh38, 1-based): chr11:67,455,676, C>T. VCF-style: chr11-67455676-C-T. GRCh37 (hg19) VCF-style: chr11-67223147-C-T.
Other names: c.-131C>T (NM_001300895.3); c.-145C>T (NM_001379183.1); c.-112-33C>T (NM_001300896.3); short protein forms P85S.
Identifiers: ClinVar variation 2004997 (VCV002004997.1), dbSNP rs1240458375, ClinGen allele CA381527422.

ClinVar aggregate classification (germline): Uncertain significance (1 of 4 stars; one submission).

Allele frequency attached by ClinVar (database versions not stated): gnomAD exomes 0.00001.
gnomAD v4.1: 7 of 1,608,478 alleles (0.00044%); highest among the groups gnomAD compares: East Asian, 0.0022%; no homozygotes.

Submission:

Labcorp Genetics (formerly Invitae), Labcorp
Classification: Uncertain significance. Last evaluated: 2022-03-31. Review status: criteria provided, single submitter. Criteria: Invitae Variant Classification Sherloc (09022015). Collection method: clinical testing. Allele origin: germline.
Comment: This sequence change replaces proline, which is neutral and non-polar, with serine, which is neutral and polar, at codon 85 of the CABP4 protein (p.Pro85Ser). This variant is present in population databases (no rsID available, gnomAD 0.001%). This variant has not been reported in the literature in individuals affected with CABP4-related conditions. Algorithms developed to predict the effect of missense changes on protein structure and function output the following: SIFT: "Tolerated"; PolyPhen-2: "Benign"; Align-GVGD: "Class C0". The serine amino acid residue is found in multiple mammalian species, which suggests that this missense change does not adversely affect protein function. In summary, the available evidence is currently insufficient to determine the role of this variant in disease. Therefore, it has been classified as a Variant of Uncertain Significance.